The following is an entry in ClinVar:

ClinVar aggregate classification (germline): Uncertain significance (1 of 4 stars; one submission).

Conditions:
Hereditary cancer-predisposing syndrome. Also called: Neoplastic Syndromes, Hereditary; Tumor predisposition; Hereditary Cancer Syndrome; Hereditary neoplastic syndrome. Identifiers: Orphanet 140162, MedGen C0027672, MeSH D009386, MONDO:0015356.

Submission:

Ambry Genetics
Classification: Uncertain significance for Hereditary cancer-predisposing syndrome. Last evaluated: 2026-07-16. Review status: criteria provided, single submitter. Criteria: Ambry Variant Classification Scheme 2023. Collection method: clinical testing. Allele origin: germline.
Comment: The p.I234T variant (also known as c.701T>C), located in coding exon 7 of the BMPR1A gene, results from a T to C substitution at nucleotide position 701. The isoleucine at codon 234 is replaced by threonine, an amino acid with similar properties. This amino acid position is conserved. In addition, this alteration is predicted to be deleterious by in silico analysis. Based on the available evidence, the clinical significance of this variant remains unclear.

NM_004329.3(BMPR1A):c.701T>C (p.Ile234Thr)

Gene: BMPR1A (bone morphogenetic protein receptor type 1A; plus strand). Cytogenetic location: 10q23.2.
Variant type: single nucleotide variant.
Coding change: c.701T>C on transcript NM_004329.3 (MANE Select); coding-DNA position 701, T replaced by C.
Protein change: p.Ile234Thr; replaces isoleucine 234 with threonine.
Molecular consequence: missense variant. On other transcripts: non-coding transcript variant (3).
Genome position (GRCh38, 1-based): chr10:86,917,159, T>C. VCF-style: chr10-86917159-T-C. GRCh37 (hg19) VCF-style: chr10-88676916-T-C.
Other names: c.776T>C, p.Ile259Thr (NM_001406559.1); c.749T>C, p.Ile250Thr (NM_001406560.1); c.701T>C, p.Ile234Thr (NM_001406561.1, NM_001406562.1, NM_001406572.1 and 19 more transcripts); c.695T>C, p.Ile232Thr (NM_001406583.1); c.617T>C, p.Ile206Thr (NM_001406584.1, NM_001406585.1, NM_001406586.1 and 2 more transcripts); c.359T>C, p.Ile120Thr (NM_001406589.1); short protein forms I234T, I259T, I120T, I232T, I250T, I206T.
Identifiers: ClinVar variation 3261210 (VCV003261210.2).